The following is an entry in ClinVar:

NM_213599.3(ANO5):c.1120-8T>G

Gene: ANO5 (anoctamin 5; plus strand). Cytogenetic location: 11p14.3.
Variant type: single nucleotide variant.
Coding change: c.1120-8T>G on transcript NM_213599.3 (MANE Select); 8 bases into the intron before coding-DNA position 1120, T replaced by G.
Molecular consequence: intron variant.
Genome position (GRCh38, 1-based): chr11:22,250,943, T>G. VCF-style: chr11-22250943-T-G. GRCh37 (hg19) VCF-style: chr11-22272489-T-G.
Other names: c.1078-8T>G (NM_001410963.1); c.1117-8T>G (NM_001142649.2); c.1075-8T>G (NM_001410964.1).
Identifiers: ClinVar variation 3748714 (VCV003748714.2).

ClinVar aggregate classification (germline): Uncertain significance (1 of 4 stars; one submission).

Conditions:
Gnathodiaphyseal dysplasia (GDD). Also called: GNATHODIAPHYSEAL SCLEROSIS; OSTEOGENESIS IMPERFECTA WITH UNUSUAL SKELETAL LESIONS. Identifiers: Orphanet 53697, MedGen C1833736, MONDO:0008151, OMIM 166260.
Autosomal recessive limb-girdle muscular dystrophy type 2L (LGMDR12). Also called: Limb-girdle muscular dystrophy, type 2L; MUSCULAR DYSTROPHY, LIMB-GIRDLE, AUTOSOMAL RECESSIVE 12; Limb-Girdle Muscular Dystrophy R12 Anoctamin-5-Related (LGMD-R12). Identifiers: Orphanet 206549, MedGen C1969785, MONDO:0012652, OMIM 611307.

Submission:

Labcorp Genetics (formerly Invitae), Labcorp
Classification: Uncertain significance for Autosomal recessive limb-girdle muscular dystrophy type 2L; Gnathodiaphyseal dysplasia. Last evaluated: 2025-07-17. Review status: criteria provided, single submitter. Criteria: Invitae Variant Classification Sherloc (09022015). Collection method: clinical testing. Allele origin: germline.
Comment: This sequence change falls in intron 11 of the ANO5 gene. It does not directly change the encoded amino acid sequence of the ANO5 protein. This variant is not present in population databases (gnomAD no frequency). This variant has not been reported in the literature in individuals affected with ANO5-related conditions. ClinVar contains an entry for this variant (Variation ID: 3748714). Algorithms developed to predict the effect of sequence changes on RNA splicing suggest that this variant may disrupt the consensus splice site. In summary, the available evidence is currently insufficient to determine the role of this variant in disease. Therefore, it has been classified as a Variant of Uncertain Significance.